The following is an entry in ClinVar:

NM_000051.4(ATM):c.3807_3811del (p.Lys1269fs)

Gene: ATM (ATM serine/threonine kinase; plus strand). Cytogenetic location: 11q22.3.
Variant type: Deletion.
Coding change: c.3807_3811del on transcript NM_000051.4 (MANE Select); coding-DNA positions 3807 to 3811, 5 bases deleted (GTCCA; older notation c.3807_3811delGTCCA).
Protein change: p.Lys1269fs; shifts the reading frame from lysine 1269.
Molecular consequence: frameshift variant.
Genome position (GRCh38, 1-based): chr11:108,284,287-108,284,291, GTCCA deleted; deleting any 5 consecutive bases within chr11:108,284,286-108,284,291 gives the same sequence; the c. name uses the placement nearest the transcript's 3' end. VCF-style (leftmost placement, unchanged base first): chr11-108284285-AAGTCC-A. GRCh37 (hg19) VCF-style: chr11-108155012-AAGTCC-A.
Other names: c.3807_3811del, p.Lys1269fs (NM_001351834.2); short protein forms K1269fs.
Identifiers: ClinVar variation 3148417 (VCV003148417.2), dbSNP rs2546886293, ClinGen allele CA2825001688.
Genomic context (GRCh38, chr11:108,284,285, plus strand): 5'-AGATCTTGTTATAAGGTTTTGATTCCACATCTGGTGATTAGAAGTCATTTTGATGAGGTG[AAGTCC>A]ATTGCTAATCAGATTCAAGAGGACTGGAAAAGTCTTCTAACAGACTGCTTTCCAAAGATT-3'

ClinVar aggregate classification (germline): Pathogenic. Review status: criteria provided, multiple submitters, no conflicts (2 of 4 stars). 2 submissions from 2 submitters: Pathogenic (2). Last evaluated 2025-06-27.

Conditions:
Familial cancer of breast. Also called: Hereditary breast cancer; BREAST CANCER, FAMILIAL; hereditary breast carcinoma. Identifiers: Orphanet 227535, MedGen C0346153, MONDO:0016419, OMIM 114480. Disease mechanism: loss of function.
Ataxia-telangiectasia syndrome (AT). Also called: Ataxia telangiectasia (A-T); Ataxia-telangiectasia, complementation group D; Ataxia-telangiectasia, complementation group E; LOUIS-BAR SYNDROME; Cerebello-oculocutaneous telangiectasia; Immunodeficiency with ataxia telangiectasia. Identifiers: Orphanet 100, MedGen C0004135, MONDO:0008840, OMIM 208900.

Submissions (2):

Labcorp Genetics (formerly Invitae), Labcorp
Classification: Pathogenic for Ataxia-telangiectasia syndrome. Last evaluated: 2025-06-27. Review status: criteria provided, single submitter. Criteria: Invitae Variant Classification Sherloc (09022015). Collection method: clinical testing. Allele origin: germline.
Comment: This sequence change creates a premature translational stop signal (p.Lys1269Asnfs*3) in the ATM gene. It is expected to result in an absent or disrupted protein product. Loss-of-function variants in ATM are known to be pathogenic (PMID: 23807571, 25614872). This variant is not present in population databases (gnomAD no frequency). This variant has not been reported in the literature in individuals affected with ATM-related conditions. ClinVar contains an entry for this variant (Variation ID: 3148417). For these reasons, this variant has been classified as Pathogenic.

Myriad Genetics, Inc.
Classification: Pathogenic for Familial cancer of breast. Last evaluated: 2024-01-23. Review status: criteria provided, single submitter. Criteria: Myriad Autosomal Dominant, Autosomal Recessive and X-Linked Classification Criteria (2023). Collection method: clinical testing. Allele origin: unknown.
Comment: This variant is considered pathogenic. This variant creates a frameshift predicted to result in premature protein truncation.

Literature cited by the submitters: PubMed 23807571 (cited by Labcorp Genetics (formerly Invitae), Labcorp); PubMed 25614872 (cited by Labcorp Genetics (formerly Invitae), Labcorp).